The following is an entry in ClinVar:

NM_003119.4(SPG7):c.1325-6C>T

Gene: SPG7 (SPG7 matrix AAA peptidase subunit, paraplegin; plus strand). Cytogenetic location: 16q24.3.
Variant type: single nucleotide variant.
Coding change: c.1325-6C>T on transcript NM_003119.4 (MANE Select); 6 bases into the intron before coding-DNA position 1325, C replaced by T.
Molecular consequence: intron variant.
Genome position (GRCh38, 1-based): chr16:89,544,642, C>T. VCF-style: chr16-89544642-C-T. GRCh37 (hg19) VCF-style: chr16-89611050-C-T.
Other names: c.1325-6C>T (NM_001363850.1).
Identifiers: ClinVar variation 378640 (VCV000378640.39), dbSNP rs371986686, ClinGen allele CA8244149.

ClinVar aggregate classification (germline): Conflicting classifications of pathogenicity. Review status: criteria provided, conflicting classifications (1 of 4 stars). 5 submissions from 5 submitters: Uncertain significance (2); Likely benign (3). Last evaluated 2025-11-25.

Conditions:
Hereditary spastic paraplegia 7 (SPG7). Also called: SPASTIC PARAPLEGIA 7, AUTOSOMAL RECESSIVE, WITH OR WITHOUT CEREBELLAR ATAXIA; Autosomal recessive spastic paraplegia type 7; Spastic paraplegia 7; Hereditary spastic paraplegia Paraplegin type; SPG7-related neurologic disorder. Identifiers: Orphanet 99013, MedGen C1846564, MONDO:0011803, OMIM 607259.
Inborn genetic diseases. Identifiers: MedGen C0950123, MeSH D030342.

Allele frequency attached by ClinVar (database versions not stated): gnomAD 0.00006; TOPMed 0.00006; gnomAD exomes 0.00009 and 0.00011; ExAC 0.00010; ESP Exome Variant Server 0.00015.
gnomAD v4.1: 163 of 1,613,962 alleles (0.01%); highest among the groups gnomAD compares: Middle Eastern, 0.033%; no homozygotes.

Submissions (5):

Labcorp Genetics (formerly Invitae), Labcorp
Classification: Likely benign for Hereditary spastic paraplegia 7. Last evaluated: 2025-11-25. Review status: criteria provided, single submitter. Criteria: Invitae Variant Classification Sherloc (09022015). Collection method: clinical testing. Allele origin: germline.

CeGaT Center for Human Genetics Tuebingen
Classification: Likely benign. Last evaluated: 2023-11-01. Review status: criteria provided, single submitter. Criteria: CeGaT Center For Human Genetics Tuebingen Variant Classification Criteria Version 2. Collection method: clinical testing. Allele origin: germline. Affected: yes. Observed: 1 variant allele.
Comment: SPG7: BP4, BS2

Ambry Genetics
Classification: Uncertain significance for Inborn genetic diseases. Last evaluated: 2021-05-03. Review status: criteria provided, single submitter. Criteria: Ambry Variant Classification Scheme 2023. Collection method: clinical testing. Allele origin: germline.
Comment: The c.1325-6C>T intronic alteration consists of a C to T substitution 6 nucleotides before coding exon 10 in the SPG7 gene. Based on insufficient or conflicting evidence, the clinical significance of this alteration remains unclear.

Illumina Laboratory Services, Illumina
Classification: Uncertain significance for Hereditary spastic paraplegia 7. Last evaluated: 2018-01-12. Review status: criteria provided, single submitter. Criteria: ICSL Variant Classification Criteria 13 December 2019. Collection method: clinical testing. Allele origin: germline.

GeneDx
Classification: Likely benign. Last evaluated: 2017-12-27. Review status: criteria provided, single submitter. Criteria: GeneDx Variant Classification (06012015). Collection method: clinical testing. Allele origin: germline. Affected: yes.
Comment: This variant is considered likely benign or benign based on one or more of the following criteria: it is a conservative change, it occurs at a poorly conserved position in the protein, it is predicted to be benign by multiple in silico algorithms, and/or has population frequency not consistent with disease.